The following is an entry in ClinVar:

ClinVar aggregate classification (germline): Likely pathogenic (1 of 4 stars; one submission).

Submission:

GeneDx
Classification: Likely pathogenic. Last evaluated: 2021-09-20. Review status: criteria provided, single submitter. Criteria: GeneDx Variant Classification Process June 2021. Collection method: clinical testing. Allele origin: germline. Affected: yes.
Comment: Frameshift variant predicted to result in protein truncation, as the last 69 amino acids are replaced with 26 different amino acids, and other loss-of-function variants have been reported downstream in the Human Gene Mutation Database (Stenson et al., 2014); Not observed in large population cohorts (Lek et al., 2016); Has not been previously published as pathogenic or benign to our knowledge; This variant is associated with the following publications: (PMID: 24077912)

NM_002972.4(SBF1):c.5474_5475del (p.Val1825fs)

Gene: SBF1 (SET binding factor 1; minus strand). Cytogenetic location: 22q13.33.
Variant type: Microsatellite.
Coding change: c.5474_5475del on transcript NM_002972.4 (MANE Select); coding-DNA positions 5474 to 5475, 2 bases deleted (TG; older notation c.5474_5475delTG).
Protein change: p.Val1825fs; shifts the reading frame from valine 1825.
Molecular consequence: frameshift variant.
Genome position (GRCh38, 1-based): chr22:50,447,430-50,447,431, CA deleted on the plus strand (TG on the coding strand, the reverse complement: SBF1 is on the minus strand); deleting any 2 consecutive bases within chr22:50,447,430-50,447,434 gives the same sequence; the c. name uses the placement nearest the transcript's 3' end. VCF-style (leftmost placement, unchanged base first): chr22-50447429-CCA-C. GRCh37 (hg19) VCF-style: chr22-50885858-CCA-C.
Other names: c.5399_5400del, p.Val1800fs (NM_001365819.1); short protein forms V1800fs, V1825fs.
Identifiers: ClinVar variation 1301185 (VCV001301185.2), dbSNP rs2148549478, ClinGen allele CA2580615335.